The following is an entry in ClinVar:

ClinVar aggregate classification (germline): Uncertain significance (1 of 4 stars; one submission).

Conditions:
MOGS-congenital disorder of glycosylation. Also called: GLUCOSIDASE I DEFICIENCY; MOGS-CDG; CDG IIb; CDG 2B. Identifiers: Orphanet 79330, MedGen C1853736, MONDO:0011629, OMIM 606056.

Allele frequency attached by ClinVar (database versions not stated): gnomAD exomes 0.00003.
gnomAD v4.1: 14 of 1,562,490 alleles (0.0009%); highest among the groups gnomAD compares: Middle Eastern, 0.22%; 1 homozygote.

Submission:

Labcorp Genetics (formerly Invitae), Labcorp
Classification: Uncertain significance for Congenital disorder of glycosylation type 2B. Last evaluated: 2019-02-20. Review status: criteria provided, single submitter. Criteria: Invitae Variant Classification Sherloc (09022015). Collection method: clinical testing. Allele origin: germline.
Comment: This sequence change replaces proline with threonine at codon 88 of the MOGS protein (p.Pro88Thr). The proline residue is moderately conserved and there is a small physicochemical difference between proline and threonine. This variant is not present in population databases (ExAC no frequency). This variant has not been reported in the literature in individuals with MOGS-related conditions. Algorithms developed to predict the effect of missense changes on protein structure and function (SIFT, PolyPhen-2, Align-GVGD) all suggest that this variant is likely to be tolerated, but these predictions have not been confirmed by published functional studies and their clinical significance is uncertain. In summary, the available evidence is currently insufficient to determine the role of this variant in disease. Therefore, it has been classified as a Variant of Uncertain Significance.

NM_006302.3(MOGS):c.262C>A (p.Pro88Thr)

Genes: MOGS (mannosyl-oligosaccharide glucosidase; minus strand), LOC129934128 (ATAC-STARR-seq lymphoblastoid silent region 11664; plus strand). Cytogenetic location: 2p13.1.
Variant type: single nucleotide variant.
Coding change: c.262C>A on transcript NM_006302.3 (MANE Select); coding-DNA position 262, C replaced by A.
Protein change: p.Pro88Thr; replaces proline 88 with threonine.
Molecular consequence: missense variant. On other transcripts: 5 prime UTR variant (1).
Genome position (GRCh38, 1-based): chr2:74,464,986, G>T on the plus strand (C>A on the coding strand, the complement: MOGS is on the minus strand). VCF-style: chr2-74464986-G-T. GRCh37 (hg19) VCF-style: chr2-74692113-G-T.
Other names: c.-57C>A (NM_001146158.2); short protein forms P88T.
Identifiers: ClinVar variation 836352 (VCV000836352.1), dbSNP rs866878210, ClinGen allele CA50477049.